The following is an entry in ClinVar:

NM_017534.6(MYH2):c.882G>A (p.Ser294=)

Genes: MYH2 (myosin heavy chain 2; minus strand), MYHAS (myosin heavy chain gene cluster antisense RNA; plus strand). Cytogenetic location: 17p13.1.
Variant type: single nucleotide variant.
Coding change: c.882G>A on transcript NM_017534.6 (MANE Select); coding-DNA position 882, G replaced by A.
Protein change: p.Ser294=; no amino-acid change (serine 294 retained).
Molecular consequence: synonymous variant.
Genome position (GRCh38, 1-based): chr17:10,542,897, C>T on the plus strand (G>A on the coding strand, the complement: MYH2 is on the minus strand). VCF-style: chr17-10542897-C-T. GRCh37 (hg19) VCF-style: chr17-10446214-C-T.
Other names: c.882G>A, p.Ser294= (NM_001100112.2).
Identifiers: ClinVar variation 465953 (VCV000465953.36), dbSNP rs201035972, ClinGen allele CA8391504.
Genomic context (GRCh38, chr17:10,542,897, plus strand): 5'-ATGCAGTAATTCTGGAAAAGAATTATGACATTTCTTACCAATAAGTTCTGGTTTCTTATT[C>T]GATGTAATCTGGTAAAAAATATGATAACTTCTCTCAGCCTTAAGCTGGAAAACAACTCTA-3'
Protein context (NP_060004.3, residues 284-304): RSYHIFYQIT[Ser294=]NKKPELIEML

ClinVar aggregate classification (germline): Likely benign. Review status: criteria provided, multiple submitters, no conflicts (2 of 4 stars). 3 submissions from 3 submitters: Likely benign (3). Last evaluated 2026-01-12.

Conditions:
Myopathy, proximal, and ophthalmoplegia (CMYO6). Also called: INCLUSION BODY MYOPATHY 3, AUTOSOMAL DOMINANT; MYOPATHY WITH CONGENITAL JOINT CONTRACTURES, OPHTHALMOPLEGIA, AND RIMMED VACUOLES; CONGENITAL MYOPATHY 6 WITH OPHTHALMOPLEGIA. Identifiers: Orphanet 363677, Orphanet 79091, MedGen C1854106, MONDO:0011577, OMIM 605637.

Allele frequency attached by ClinVar (database versions not stated): gnomAD exomes 0.00016 and 0.00019; ExAC 0.00017; ESP Exome Variant Server 0.00038; gnomAD 0.00039 and 0.00036; TOPMed 0.00041; 1000 Genomes Project 30x 0.00047; 1000 Genomes Project 0.00060.
gnomAD v4.1: 286 of 1,608,188 alleles (0.018%); highest among the groups gnomAD compares: African/African-American, 0.11%; no homozygotes.

Submissions (3):

Labcorp Genetics (formerly Invitae), Labcorp
Classification: Likely benign for Myopathy, proximal, and ophthalmoplegia. Last evaluated: 2026-01-12. Review status: criteria provided, single submitter. Criteria: Invitae Variant Classification Sherloc (09022015). Collection method: clinical testing. Allele origin: germline.

Blueprint Genetics
Classification: Likely benign. Last evaluated: 2024-07-31. Review status: criteria provided, single submitter. Criteria: ACMG Guidelines, 2015. Collection method: clinical testing. Allele origin: germline.

CeGaT Center for Human Genetics Tuebingen
Classification: Likely benign. Last evaluated: 2023-07-01. Review status: criteria provided, single submitter. Criteria: CeGaT Center For Human Genetics Tuebingen Variant Classification Criteria Version 2. Collection method: clinical testing. Allele origin: germline. Affected: yes. Observed: 1 variant allele.
Comment: MYH2: BP4, BP7